The following is an entry in ClinVar:

NM_006231.4(POLE):c.1133T>G (p.Val378Gly)

Gene: POLE (DNA polymerase epsilon, catalytic subunit; minus strand). Cytogenetic location: 12q24.33.
Variant type: single nucleotide variant.
Coding change: c.1133T>G on transcript NM_006231.4 (MANE Select); coding-DNA position 1133, T replaced by G.
Protein change: p.Val378Gly; replaces valine 378 with glycine.
Molecular consequence: missense variant.
Genome position (GRCh38, 1-based): chr12:132,675,491, A>C on the plus strand (T>G on the coding strand, the complement: POLE is on the minus strand). VCF-style: chr12-132675491-A-C. GRCh37 (hg19) VCF-style: chr12-133252077-A-C.
Other names: c.1133T>G (NM_006231.2, NM_006231.3); short protein forms V378G.
Identifiers: ClinVar variation 1007582 (VCV001007582.10), dbSNP rs2043026101, ClinGen allele CA387361109.

ClinVar aggregate classification (germline): Uncertain significance. Review status: criteria provided, multiple submitters, no conflicts (2 of 4 stars). 3 submissions from 3 submitters: Uncertain significance (3). Last evaluated 2024-08-17.

Conditions:
Hereditary cancer-predisposing syndrome. Also called: Tumor predisposition; Hereditary neoplastic syndrome; Neoplastic Syndromes, Hereditary; Hereditary Cancer Syndrome. Identifiers: Orphanet 140162, MedGen C0027672, MeSH D009386, MONDO:0015356.

Submissions (3):

Ambry Genetics
Classification: Uncertain significance for Hereditary cancer-predisposing syndrome. Last evaluated: 2024-08-17. Review status: criteria provided, single submitter. Criteria: Ambry Variant Classification Scheme 2023. Collection method: clinical testing. Allele origin: germline.
Comment: The p.V378G variant (also known as c.1133T>G), located in coding exon 12 of the POLE gene, results from a T to G substitution at nucleotide position 1133. The valine at codon 378 is replaced by glycine, an amino acid with dissimilar properties. This amino acid position is conserved. In addition, this alteration is predicted to be tolerated by in silico analysis. Based on the available evidence, the clinical significance of this variant remains unclear.

Quest Diagnostics Nichols Institute San Juan Capistrano
Classification: Uncertain significance. Last evaluated: 2024-03-27. Review status: criteria provided, single submitter. Criteria: Quest Diagnostics criteria. Collection method: clinical testing. Allele origin: unknown.
Comment: The POLE c.1133T>G (p.Val378Gly) variant has not been reported in individuals with POLE-related conditions in the published literature. It also has not been reported in large, multi-ethnic general populations (Genome Aggregation Database). Analysis of this variant using bioinformatics tools for the prediction of the effect of amino acid changes on protein structure and function yielded predictions that this variant is benign. Based on the available information, we are unable to determine the clinical significance of this variant.

Labcorp Genetics (formerly Invitae), Labcorp
Classification: Uncertain significance. Last evaluated: 2020-02-13. Review status: criteria provided, single submitter. Criteria: Invitae Variant Classification Sherloc (09022015). Collection method: clinical testing. Allele origin: germline.
Comment: This sequence change replaces valine with glycine at codon 378 of the POLE protein (p.Val378Gly). The valine residue is weakly conserved and there is a moderate physicochemical difference between valine and glycine. This variant is not present in population databases (ExAC no frequency). This variant has not been reported in the literature in individuals with POLE-related conditions. Algorithms developed to predict the effect of missense changes on protein structure and function are either unavailable or do not agree on the potential impact of this missense change (SIFT: "Deleterious"; PolyPhen-2: "Benign"; Align-GVGD: "Class C0"). In summary, the available evidence is currently insufficient to determine the role of this variant in disease. Therefore, it has been classified as a Variant of Uncertain Significance.